The following is an entry in ClinVar:

ClinVar aggregate classification (germline): Conflicting classifications of pathogenicity. Review status: criteria provided, conflicting classifications (1 of 4 stars). 4 submissions from 4 submitters: Uncertain significance (2); Likely benign (1). 1 of the submissions does not count toward it. Last evaluated 2026-01-26.

Conditions:
3-Oxo-5 alpha-steroid delta 4-dehydrogenase deficiency (PPSH). Also called: 46,XY disorder of sex development due to 5-alpha-reductase 2 deficiency; PSEUDOVAGINAL PERINEOSCROTAL HYPOSPADIAS; FAMILIAL INCOMPLETE MALE PSEUDOHERMAPHRODITISM, TYPE 2; MALE PSEUDOHERMAPHRODITISM DUE TO 5-ALPHA-REDUCTASE DEFICIENCY. Identifiers: Orphanet 753, MedGen C0268297, MONDO:0009923, OMIM 264600. Disease mechanism: loss of function.

Allele frequency attached by ClinVar (database versions not stated): gnomAD exomes 0.00011 and 0.00040; gnomAD 0.00014 and 0.00021; TOPMed 0.00032; ExAC 0.00077; 1000 Genomes Project 0.00100; 1000 Genomes Project 30x 0.00125.

Submissions (4):

Labcorp Genetics (formerly Invitae), Labcorp
Classification: Likely benign for 3-Oxo-5 alpha-steroid delta 4-dehydrogenase deficiency. Last evaluated: 2026-01-26. Review status: criteria provided, single submitter. Criteria: Invitae Variant Classification Sherloc (09022015). Collection method: clinical testing. Allele origin: germline.

Women's Health and Genetics/Laboratory Corporation of America, LabCorp
Classification: Uncertain significance. Last evaluated: 2023-06-21. Review status: criteria provided, single submitter. Criteria: LabCorp Variant Classification Summary - May 2015. Collection method: clinical testing. Allele origin: germline.
Comment: Variant summary: SRD5A2 c.699C>G (p.Phe233Leu), also known as c.702C>G (p.Phe234Leu), results in a non-conservative amino acid change located in the 3-oxo-5-alpha-steroid 4-dehydrogenase, C-terminal (IPR001104) of the encoded protein sequence. Two of three in-silico tools predict a benign effect of the variant on protein function. The variant allele was found at a frequency of 0.0004 in 197566 control chromosomes (gnomAD). c.699C>G has been reported in the literature in individuals affected with 3-Oxo-5 alpha-steroid delta 4-dehydrogenase deficiency (e.g. Cheng_2019, Han_2020, Liu_2022), and one case was reported as compound heterozygous with a pathogenic variant. These data do not allow any conclusion about variant significance. At least one publication reports experimental evidence evaluating an impact on protein function, finding moderately reduced enzyme activity and protein expression using an expression vector with the variant (Madridakis_2000). The following publications have been ascertained in the context of this evaluation (PMID: 15266301, 10898110, 31031332, 32596280, 24412121, 31277073). Two submitters have cited clinical-significance assessments for this variant to ClinVar after 2014. One submitter classified the variant as likely benign, and one submitter classified it as uncertain significance. Based on the evidence outlined above, the variant was classified as uncertain significance.

Eurofins Ntd Llc (ga)
Classification: Uncertain significance. Last evaluated: 2018-08-22. Review status: criteria provided, single submitter. Criteria: EGL ClinVar v180209 classification definitions. Collection method: clinical testing. Allele origin: germline. Observed: 1 variant allele, 1 heterozygote.

University of Sydney Medical Foundation
No classification provided. Review status: no classification provided. Collection method: not provided. Allele origin: not provided. Not counted in ClinVar's aggregate classification.

Literature cited by the submitters: PubMed 31031332 (cited by Women's Health and Genetics/Laboratory Corporation of America, LabCorp); PubMed 32596280 (cited by Women's Health and Genetics/Laboratory Corporation of America, LabCorp); PubMed 24412121 (cited by Women's Health and Genetics/Laboratory Corporation of America, LabCorp); PubMed 10898110 (cited by Women's Health and Genetics/Laboratory Corporation of America, LabCorp); PubMed 15266301 (cited by Women's Health and Genetics/Laboratory Corporation of America, LabCorp); PubMed 31277073 (cited by Women's Health and Genetics/Laboratory Corporation of America, LabCorp).

NM_000348.4(SRD5A2):c.702C>G (p.Phe234Leu)

Gene: SRD5A2 (steroid 5 alpha-reductase 2; minus strand). Cytogenetic location: 2p23.1.
Variant type: single nucleotide variant.
Coding change: c.702C>G on transcript NM_000348.4 (MANE Select); coding-DNA position 702, C replaced by G.
Protein change: p.Phe234Leu; replaces phenylalanine 234 with leucine.
Molecular consequence: missense variant.
Genome position (GRCh38, 1-based): chr2:31,526,259, G>C on the plus strand (C>G on the coding strand, the complement: SRD5A2 is on the minus strand). VCF-style: chr2-31526259-G-C. GRCh37 (hg19) VCF-style: chr2-31751329-G-C.
Other names: short protein forms F234L.
Identifiers: ClinVar variation 97414 (VCV000097414.14), dbSNP rs9332966, ClinGen allele CA224922.
Genomic context (GRCh38, chr2:31,526,259, plus strand): 5'-AAAGATGAATGGAATAAGGGCTTTCCGAGATTTGGGGTAGTCCTCAAACATCTTGAGGTA[G>C]AACCTAAAAGACAAGAAAGGAATAATTGTAAATATAATGGAGCAGTGGCTGACAGCTGAG-3'
Protein context (NP_000339.2, residues 224-244): LGLRAFHHHR[Phe234Leu]YLKMFEDYPK